The following is an entry in ClinVar:

NM_000093.5(COL5A1):c.2187+10C>T

Gene: COL5A1 (collagen type V alpha 1 chain; plus strand). Cytogenetic location: 9q34.3.
Variant type: single nucleotide variant.
Coding change: c.2187+10C>T on transcript NM_000093.5 (MANE Select); 10 bases into the intron after coding-DNA position 2187, C replaced by T.
Molecular consequence: intron variant.
Genome position (GRCh38, 1-based): chr9:134,767,063, C>T. VCF-style: chr9-134767063-C-T. GRCh37 (hg19) VCF-style: chr9-137658909-C-T.
Other names: c.2187+10C>T (NM_001278074.1).
Identifiers: ClinVar variation 383281 (VCV000383281.1), dbSNP rs1057521575, ClinGen allele CA16605419.
Genomic context (GRCh38, chr9:134,767,063, plus strand): 5'-CCCCAGGGAGAGCCTGGCCCCCCAGGACAGCAGGGTAATCCAGGCGCCCAGGTAAGTGAG[C>T]CTGAGAGAGGCAGCTCGCAGGGATCCGGCCGTGGGAGGCACACGTCTCCAGTCCGGAGCC-3'

ClinVar aggregate classification (germline): Likely benign (1 of 4 stars; one submission).

Submission:

GeneDx
Classification: Likely benign. Last evaluated: 2016-01-26. Review status: criteria provided, single submitter. Criteria: GeneDx Variant Classification (06012015). Collection method: clinical testing. Allele origin: germline. Affected: yes.
Comment: This variant is considered likely benign or benign based on one or more of the following criteria: it is a conservative change, it occurs at a poorly conserved position in the protein, it is predicted to be benign by multiple in silico algorithms, and/or has population frequency not consistent with disease.